The following is an entry in ClinVar:

NM_020461.4(TUBGCP6):c.5278G>A (p.Gly1760Arg)

Gene: TUBGCP6 (tubulin gamma complex component 6; minus strand). Cytogenetic location: 22q13.33.
Variant type: single nucleotide variant.
Coding change: c.5278G>A on transcript NM_020461.4 (MANE Select); coding-DNA position 5278, G replaced by A.
Protein change: p.Gly1760Arg; replaces glycine 1760 with arginine.
Molecular consequence: missense variant.
Genome position (GRCh38, 1-based): chr22:50,218,008, C>T on the plus strand (G>A on the coding strand, the complement: TUBGCP6 is on the minus strand). VCF-style: chr22-50218008-C-T. GRCh37 (hg19) VCF-style: chr22-50656437-C-T.
Other names: short protein forms G1760R.
Identifiers: ClinVar variation 1414767 (VCV001414767.6), dbSNP rs1193511676, ClinGen allele CA412162683.

ClinVar aggregate classification (germline): Uncertain significance (1 of 4 stars; one submission).

Allele frequency attached by ClinVar (database versions not stated): TOPMed below 0.00001.

Submission:

Labcorp Genetics (formerly Invitae), Labcorp
Classification: Uncertain significance. Last evaluated: 2022-11-01. Review status: criteria provided, single submitter. Criteria: Invitae Variant Classification Sherloc (09022015). Collection method: clinical testing. Allele origin: germline.
Comment: In summary, the available evidence is currently insufficient to determine the role of this variant in disease. Therefore, it has been classified as a Variant of Uncertain Significance. Algorithms developed to predict the effect of missense changes on protein structure and function are either unavailable or do not agree on the potential impact of this missense change (SIFT: "Tolerated"; PolyPhen-2: "Possibly Damaging"; Align-GVGD: "Class C0"). ClinVar contains an entry for this variant (Variation ID: 1414767). This variant has not been reported in the literature in individuals affected with TUBGCP6-related conditions. This variant is not present in population databases (gnomAD no frequency). This sequence change replaces glycine, which is neutral and non-polar, with arginine, which is basic and polar, at codon 1760 of the TUBGCP6 protein (p.Gly1760Arg).